The following is an entry in ClinVar:

ClinVar aggregate classification (germline): Uncertain significance (1 of 4 stars; one submission).

Conditions:
Primary familial hypertrophic cardiomyopathy (HCM). Identifiers: Orphanet 99739, MedGen C0949658, MeSH D024741, MONDO:0024573. Inheritance: Various modes of inheritance.

Allele frequency attached by ClinVar (database versions not stated): TOPMed below 0.00001; gnomAD 0.00001.
gnomAD v4.1: 1 of 1,614,030 alleles (0.000062%); highest among the groups gnomAD compares: African/African-American, 0.0013%; no homozygotes.

Submission:

Labcorp Genetics (formerly Invitae), Labcorp
Classification: Uncertain significance for Primary familial hypertrophic cardiomyopathy. Last evaluated: 2022-07-27. Review status: criteria provided, single submitter. Criteria: Invitae Variant Classification Sherloc (09022015). Collection method: clinical testing. Allele origin: germline.
Comment: Algorithms developed to predict the effect of missense changes on protein structure and function are either unavailable or do not agree on the potential impact of this missense change (SIFT: "Tolerated"; PolyPhen-2: "Possibly Damaging"; Align-GVGD: "Class C0"). This variant has not been reported in the literature in individuals affected with ILK-related conditions. This variant is not present in population databases (gnomAD no frequency). This sequence change replaces glutamic acid, which is acidic and polar, with lysine, which is basic and polar, at codon 359 of the ILK protein (p.Glu359Lys). Experimental studies have shown that this missense change affects ILK function (PMID: 11402068, 11694518, 14745274). In summary, the available evidence is currently insufficient to determine the role of this variant in disease. Therefore, it has been classified as a Variant of Uncertain Significance.

Literature cited by the submitters: PubMed 11402068; PubMed 11694518; PubMed 14745274.

NM_004517.4(ILK):c.1075G>A (p.Glu359Lys)

Genes: TAF10 (TATA-box binding protein associated factor 10; minus strand), ILK (integrin linked kinase; plus strand). Cytogenetic location: 11p15.4.
Variant type: single nucleotide variant.
Coding change: c.1075G>A on transcript NM_004517.4 (MANE Select); coding-DNA position 1075, G replaced by A.
Protein change: p.Glu359Lys; replaces glutamic acid 359 with lysine.
Molecular consequence: missense variant. On other transcripts: 3 prime UTR variant (1).
Genome position (GRCh38, 1-based): chr11:6,610,032, G>A. VCF-style: chr11-6610032-G-A. GRCh37 (hg19) VCF-style: chr11-6631263-G-A.
Other names: c.1075G>A, p.Glu359Lys (NM_001014794.3, NM_001014795.3); c.892G>A, p.Glu298Lys (NM_001278441.2); c.673G>A, p.Glu225Lys (NM_001278442.2); c.*890C>T (NM_006284.4); short protein forms E359K, E225K, E298K.
Identifiers: ClinVar variation 1940519 (VCV001940519.5), dbSNP rs1243705654, ClinGen allele CA379466606.
Genomic context (GRCh38, chr11:6,610,032, plus strand): 5'-GATGTCAAGTTCTCTTTCCAATGTCCTGGTCGCATGTATGCACCTGCCTGGGTAGCCCCC[G>A]AAGGTGAGTGAAGTCATCATGTCGGGAGGTAAAAAAGGACCACCTCAGAAGTAGTGGAAG-3'
Protein context (NP_004508.1, residues 349-369): RMYAPAWVAP[Glu359Lys]ALQKKPEDTN